The following is an entry in ClinVar:

ClinVar aggregate classification (germline): Likely benign (0 of 4 stars; one submission).

Conditions:
MUC16-related disorder. Also called: MUC16-related condition.

Allele frequency attached by ClinVar (database versions not stated): ExAC 0.00017; ESP Exome Variant Server 0.00041; gnomAD 0.00046; 1000 Genomes Project 0.00060; 1000 Genomes Project 30x 0.00062; TOPMed 0.00065.

Submission:

PreventionGenetics, part of Exact Sciences
Classification: Likely benign for MUC16-related condition. Last evaluated: 2019-06-24. Review status: no assertion criteria provided. Collection method: clinical testing. Allele origin: germline.
Comment: This variant is classified as likely benign based on ACMG/AMP sequence variant interpretation guidelines (Richards et al. 2015 PMID: 25741868, with internal and published modifications).

NM_001401501.2(MUC16):c.30529T>G (p.Ser10177Ala)

Gene: MUC16 (mucin 16, cell surface associated; minus strand). Cytogenetic location: 19p13.2.
Variant type: single nucleotide variant.
Coding change: c.30529T>G on transcript NM_001401501.2 (MANE Select); coding-DNA position 30529, T replaced by G.
Protein change: p.Ser10177Ala; replaces serine 10177 with alanine.
Molecular consequence: missense variant.
Genome position (GRCh38, 1-based): chr19:8,946,361, A>C on the plus strand (T>G on the coding strand, the complement: MUC16 is on the minus strand). VCF-style: chr19-8946361-A-C. GRCh37 (hg19) VCF-style: chr19-9057037-A-C.
Other names: c.30955T>G, p.Ser10319Ala (NM_001414686.1); c.30409T>G, p.Ser10137Ala (NM_001414687.1, NM_024690.2); short protein forms S10137A, S10177A, S10319A.
Identifiers: ClinVar variation 3042929 (VCV003042929.2), dbSNP rs200672962, ClinGen allele CA9167109.